The following is an entry in ClinVar:

NM_003072.5(SMARCA4):c.3278G>T (p.Arg1093Leu)

Gene: SMARCA4 (SWI/SNF related BAF chromatin remodeling complex subunit ATPase 4; plus strand). Cytogenetic location: 19p13.2.
Variant type: single nucleotide variant.
Coding change: c.3278G>T on transcript NM_003072.5 (MANE Select); coding-DNA position 3278, G replaced by T.
Protein change: p.Arg1093Leu; replaces arginine 1093 with leucine.
Molecular consequence: missense variant. On other transcripts: non-coding transcript variant (1).
Genome position (GRCh38, 1-based): chr19:11,027,846, G>T. VCF-style: chr19-11027846-G-T. GRCh37 (hg19) VCF-style: chr19-11138522-G-T.
Other names: c.3278G>T, p.Arg1093Leu (NM_001128844.3, NM_001128845.2, NM_001128846.2 and 5 more transcripts); short protein forms R1093L.
Identifiers: ClinVar variation 579077 (VCV000579077.14), dbSNP rs1568498301, ClinGen allele CA404061493.

ClinVar aggregate classification (germline): Uncertain significance. Review status: criteria provided, multiple submitters, no conflicts (2 of 4 stars). 2 submissions from 2 submitters: Uncertain significance (2). Last evaluated 2024-09-09.

Conditions:
Rhabdoid tumor predisposition syndrome 2 (RTPS2). Identifiers: Orphanet 231108, Orphanet 69077, MedGen C2750074, MONDO:0013224, OMIM 613325.
Hereditary cancer-predisposing syndrome. Also called: Neoplastic Syndromes, Hereditary; Tumor predisposition; Hereditary neoplastic syndrome; Hereditary Cancer Syndrome. Identifiers: Orphanet 140162, MedGen C0027672, MeSH D009386, MONDO:0015356.

Submissions (2):

Ambry Genetics
Classification: Uncertain significance for Hereditary cancer-predisposing syndrome. Last evaluated: 2024-09-09. Review status: criteria provided, single submitter. Criteria: Ambry Variant Classification Scheme 2023. Collection method: clinical testing. Allele origin: germline.
Comment: The p.R1093L variant (also known as c.3278G>T), located in coding exon 23 of the SMARCA4 gene, results from a G to T substitution at nucleotide position 3278. The arginine at codon 1093 is replaced by leucine, an amino acid with dissimilar properties. This amino acid position is highly conserved in available vertebrate species. In addition, this alteration is predicted to be deleterious by in silico analysis. Based on the available evidence, the clinical significance of this variant remains unclear.

Labcorp Genetics (formerly Invitae), Labcorp
Classification: Uncertain significance for Rhabdoid tumor predisposition syndrome 2. Last evaluated: 2024-05-21. Review status: criteria provided, single submitter. Criteria: Invitae Variant Classification Sherloc (09022015). Collection method: clinical testing. Allele origin: germline.
Comment: This sequence change replaces arginine, which is basic and polar, with leucine, which is neutral and non-polar, at codon 1093 of the SMARCA4 protein (p.Arg1093Leu). This variant is not present in population databases (gnomAD no frequency). This variant has not been reported in the literature in individuals affected with SMARCA4-related conditions. ClinVar contains an entry for this variant (Variation ID: 579077). Advanced modeling of protein sequence and biophysical properties (such as structural, functional, and spatial information, amino acid conservation, physicochemical variation, residue mobility, and thermodynamic stability) has been performed at Invitae for this missense variant, however the output from this modeling did not meet the statistical confidence thresholds required to predict the impact of this variant on SMARCA4 protein function. RNA analysis performed to evaluate the impact of this missense change on mRNA splicing indicates it does not significantly alter splicing (Invitae). In summary, the available evidence is currently insufficient to determine the role of this variant in disease. Therefore, it has been classified as a Variant of Uncertain Significance.